The following is an entry in ClinVar:

NM_001927.4(DES):c.313C>G (p.Arg105Gly)

Gene: DES (desmin; plus strand). Cytogenetic location: 2q35.
Variant type: single nucleotide variant.
Coding change: c.313C>G on transcript NM_001927.4 (MANE Select); coding-DNA position 313, C replaced by G.
Protein change: p.Arg105Gly; replaces arginine 105 with glycine.
Molecular consequence: missense variant.
Genome position (GRCh38, 1-based): chr2:219,418,775, C>G. VCF-style: chr2-219418775-C-G. GRCh37 (hg19) VCF-style: chr2-220283497-C-G.
Other names: c.313C>G, p.Arg105Gly (NM_001382708.1, NM_001382709.1, NM_001382710.1 and 3 more transcripts); short protein forms R105G.
Identifiers: ClinVar variation 2576828 (VCV002576828.1), dbSNP rs794728993, ClinGen allele CA350685153.

ClinVar aggregate classification (germline): Uncertain significance (1 of 4 stars; one submission).

Submission:

GeneDx
Classification: Uncertain significance. Last evaluated: 2023-02-15. Review status: criteria provided, single submitter. Criteria: GeneDx Variant Classification Process June 2021. Collection method: clinical testing. Allele origin: germline. Affected: yes.
Comment: Has not been previously published as pathogenic or benign to our knowledge; Not observed at significant frequency in large population cohorts (gnomAD); In silico analysis supports that this missense variant has a deleterious effect on protein structure/function